The following is an entry in ClinVar:

NM_001369369.1(FOXN1):c.1135+8C>T

Gene: FOXN1 (forkhead box N1; plus strand). Cytogenetic location: 17q11.2.
Variant type: single nucleotide variant.
Coding change: c.1135+8C>T on transcript NM_001369369.1 (MANE Select); 8 bases into the intron after coding-DNA position 1135, C replaced by T.
Molecular consequence: intron variant.
Genome position (GRCh38, 1-based): chr17:28,534,546, C>T. VCF-style: chr17-28534546-C-T. GRCh37 (hg19) VCF-style: chr17-26861564-C-T.
Other names: p.?; c.1135+8C>T (NM_003593.3).
Identifiers: ClinVar variation 322427 (VCV000322427.20), dbSNP rs2286521, ClinGen allele CA8459437.

ClinVar aggregate classification (germline): Benign. Review status: criteria provided, multiple submitters, no conflicts (2 of 4 stars). 7 submissions from 7 submitters: Benign (7). Last evaluated 2026-02-04.

Conditions:
T-cell immunodeficiency, congenital alopecia, and nail dystrophy. Also called: Congenital alopecia and nail dystrophy associated with severe functional T-cell immunodeficiency; Pignata Guarino syndrome. Identifiers: Orphanet 169095, MedGen C1866426, MONDO:0011132, OMIM 601705.

Allele frequency attached by ClinVar (database versions not stated): gnomAD exomes 0.07770 and 0.10024; ExAC 0.10271; ESP Exome Variant Server 0.13594; gnomAD 0.15013 and 0.15430; TOPMed 0.15786; 1000 Genomes Project 0.16294; 1000 Genomes Project 30x 0.16833.

Submissions (7):

Labcorp Genetics (formerly Invitae), Labcorp
Classification: Benign for T-cell immunodeficiency, congenital alopecia, and nail dystrophy. Last evaluated: 2026-02-04. Review status: criteria provided, single submitter. Criteria: Invitae Variant Classification Sherloc (09022015). Collection method: clinical testing. Allele origin: germline.

Unidad de Genómica Garrahan, Hospital de Pediatría Garrahan
Classification: Benign. Last evaluated: 2024-01-24. Review status: criteria provided, single submitter. Criteria: ACMG Guidelines, 2015. Collection method: clinical testing. Allele origin: germline. Affected: no. Observed: 22 variant alleles.
Comment: This variant is classified as Benign based on local population frequency. This variant was detected in 23% of patients studied by a panel of primary immunodeficiencies. Number of patients: 22. Only high quality variants are reported.

Mayo Clinic Laboratories, Mayo Clinic
Classification: Benign. Last evaluated: 2018-09-05. Review status: criteria provided, single submitter. Criteria: ACMG Guidelines, 2015. Collection method: clinical testing. Allele origin: germline. Observed: 30 variant alleles.

Illumina Laboratory Services, Illumina
Classification: Benign for T-cell immunodeficiency, congenital alopecia, and nail dystrophy. Last evaluated: 2018-01-12. Review status: criteria provided, single submitter. Criteria: ICSL Variant Classification Criteria 13 December 2019. Collection method: clinical testing. Allele origin: germline.
Comment: This variant was observed in the ICSL laboratory as part of a predisposition screen in an ostensibly healthy population. It had not been previously curated by ICSL or reported in the Human Gene Mutation Database (HGMD: prior to June 1st, 2018), and was therefore a candidate for classification through an automated scoring system. Utilizing variant allele frequency, disease prevalence and penetrance estimates, and inheritance mode, an automated score was calculated to assess if this variant is too frequent to cause the disease. Based on the score and internal cut-off values, a variant classified as benign is not then subjected to further curation. The score for this variant resulted in a classification of benign for this disease.

Laboratory for Molecular Medicine, Mass General Brigham Personalized Medicine
Classification: Benign. Last evaluated: 2016-03-28. Review status: criteria provided, single submitter. Criteria: LMM Criteria. Collection method: clinical testing. Allele origin: germline.
Comment: Variant identified in a genome or exome case(s) and assessed due to predicted null impact of the variant or pathogenic assertions in the literature or databases. Disclaimer: This variant has not undergone full assessment. The following are preliminary notes: Frequency

GeneDx
Classification: Benign. Last evaluated: 2015-10-29. Review status: criteria provided, single submitter. Criteria: GeneDx Variant Classification (06012015). Collection method: clinical testing. Allele origin: germline. Affected: yes.
Comment: This variant is considered likely benign or benign based on one or more of the following criteria: it is a conservative change, it occurs at a poorly conserved position in the protein, it is predicted to be benign by multiple in silico algorithms, and/or has population frequency not consistent with disease.

Breakthrough Genomics
Classification: Benign. Review status: criteria provided, single submitter. Criteria: ACMG Guidelines, 2015. Collection method: not provided. Allele origin: germline. Inheritance: Autosomal recessive inheritance. Affected: yes.